The following is an entry in ClinVar:

NM_001365088.1(SLC12A6):c.601G>C (p.Gly201Arg)

Gene: SLC12A6 (solute carrier family 12 member 6; minus strand). Cytogenetic location: 15q14.
Variant type: single nucleotide variant.
Coding change: c.601G>C on transcript NM_001365088.1 (MANE Select); coding-DNA position 601, G replaced by C.
Protein change: p.Gly201Arg; replaces glycine 201 with arginine.
Molecular consequence: missense variant.
Genome position (GRCh38, 1-based): chr15:34,257,731, C>G on the plus strand (G>C on the coding strand, the complement: SLC12A6 is on the minus strand). VCF-style: chr15-34257731-C-G. GRCh37 (hg19) VCF-style: chr15-34549932-C-G.
Other names: c.424G>C, p.Gly142Arg (NM_001042494.2, NM_001042495.2); c.574G>C, p.Gly192Arg (NM_001042496.2); c.556G>C, p.Gly186Arg (NM_001042497.2); c.448G>C, p.Gly150Arg (NM_005135.2); c.601G>C, p.Gly201Arg (NM_133647.2); short protein forms G142R, G150R, G186R, G192R, G201R.
Identifiers: ClinVar variation 3663267 (VCV003663267.2).

ClinVar aggregate classification (germline): Uncertain significance (1 of 4 stars; one submission).

Submission:

Labcorp Genetics (formerly Invitae), Labcorp
Classification: Uncertain significance. Last evaluated: 2024-08-22. Review status: criteria provided, single submitter. Criteria: Invitae Variant Classification Sherloc (09022015). Collection method: clinical testing. Allele origin: germline.
Comment: This sequence change replaces glycine, which is neutral and non-polar, with arginine, which is basic and polar, at codon 201 of the SLC12A6 protein (p.Gly201Arg). This variant is not present in population databases (gnomAD no frequency). This variant has not been reported in the literature in individuals affected with SLC12A6-related conditions. Invitae Evidence Modeling of protein sequence and biophysical properties (such as structural, functional, and spatial information, amino acid conservation, physicochemical variation, residue mobility, and thermodynamic stability) indicates that this missense variant is expected to disrupt SLC12A6 protein function with a positive predictive value of 80%. In summary, the available evidence is currently insufficient to determine the role of this variant in disease. Therefore, it has been classified as a Variant of Uncertain Significance.